The following is an entry in ClinVar:

NM_001367624.2(ZNF469):c.1048G>A (p.Asp350Asn)

Gene: ZNF469 (zinc finger protein 469; plus strand). Cytogenetic location: 16q24.2.
Variant type: single nucleotide variant.
Coding change: c.1048G>A on transcript NM_001367624.2 (MANE Select); coding-DNA position 1048, G replaced by A.
Protein change: p.Asp350Asn; replaces aspartic acid 350 with asparagine.
Molecular consequence: missense variant.
Genome position (GRCh38, 1-based): chr16:88,428,518, G>A. VCF-style: chr16-88428518-G-A. GRCh37 (hg19) VCF-style: chr16-88494926-G-A.
Other names: p.Asp350Asn; short protein forms D350N.
Identifiers: ClinVar variation 320862 (VCV000320862.9), dbSNP rs568820656, ClinGen allele CA10649142.

ClinVar aggregate classification (germline): Conflicting classifications of pathogenicity. Review status: criteria provided, conflicting classifications (1 of 4 stars). 2 submissions from 2 submitters: Uncertain significance (1); Likely benign (1). Last evaluated 2024-08-06.

Conditions:
Cardiovascular phenotype. Identifiers: MedGen CN230736.

Allele frequency attached by ClinVar (database versions not stated): gnomAD 0.00001; TOPMed 0.00004.
gnomAD v4.1: 21 of 1,549,880 alleles (0.0014%); highest among the groups gnomAD compares: East Asian, 0.0049%; no homozygotes.

Submissions (2):

Ambry Genetics
Classification: Likely benign for Cardiovascular phenotype. Last evaluated: 2024-08-06. Review status: criteria provided, single submitter. Criteria: Ambry Variant Classification Scheme 2023. Collection method: clinical testing. Allele origin: germline.

Mayo Clinic Laboratories, Mayo Clinic
Classification: Uncertain significance. Last evaluated: 2023-09-15. Review status: criteria provided, single submitter. Criteria: ACMG Guidelines, 2015. Collection method: clinical testing. Allele origin: germline. Observed: 1 variant allele.
Comment: BP4